The following is an entry in ClinVar:

ClinVar aggregate classification (germline): Pathogenic/Likely pathogenic. Review status: criteria provided, multiple submitters, no conflicts (2 of 4 stars). 2 submissions from 2 submitters: Pathogenic (1); Likely pathogenic (1). Last evaluated 2024-11-19.

Conditions:
Congenital muscular dystrophy due to integrin alpha-7 deficiency. Also called: MYOPATHY, CONGENITAL, DUE TO INTEGRIN ALPHA-7 DEFICIENCY; Congenital muscular dystrophy with integrin alpha-7 deficiency; Muscular dystrophy, congenital, due to ITGA7 deficiency. Identifiers: Orphanet 34520, MedGen C2750786, MONDO:0013177, OMIM 613204.

Allele frequency attached by ClinVar (database versions not stated): TOPMed 0.00001; ExAC 0.00002; gnomAD exomes 0.00002.
gnomAD v4.1: 23 of 1,614,204 alleles (0.0014%); highest among the groups gnomAD compares: East Asian, 0.0022%; no homozygotes.

Submissions (2):

Labcorp Genetics (formerly Invitae), Labcorp
Classification: Pathogenic for Congenital muscular dystrophy due to integrin alpha-7 deficiency. Last evaluated: 2024-11-19. Review status: criteria provided, single submitter. Criteria: Invitae Variant Classification Sherloc (09022015). Collection method: clinical testing. Allele origin: germline.
Comment: This sequence change creates a premature translational stop signal (p.Arg149*) in the ITGA7 gene. It is expected to result in an absent or disrupted protein product. Loss-of-function variants in ITGA7 are known to be pathogenic (PMID: 9590299). This variant is present in population databases (rs757680080, gnomAD 0.004%). This variant has not been reported in the literature in individuals affected with ITGA7-related conditions. ClinVar contains an entry for this variant (Variation ID: 1454083). For these reasons, this variant has been classified as Pathogenic.

Revvity Omics, Revvity
Classification: Likely pathogenic for Congenital muscular dystrophy due to integrin alpha-7 deficiency. Last evaluated: 2024-03-12. Review status: criteria provided, single submitter. Criteria: ACMG Guidelines, 2015. Collection method: clinical testing. Allele origin: germline.

Literature cited by the submitters: PubMed 9590299 (cited by Labcorp Genetics (formerly Invitae), Labcorp).

NM_002206.3(ITGA7):c.445C>T (p.Arg149Ter)

Gene: ITGA7 (integrin subunit alpha 7; minus strand). Cytogenetic location: 12q13.2.
Variant type: single nucleotide variant.
Coding change: c.445C>T on transcript NM_002206.3 (MANE Select); coding-DNA position 445, C replaced by T.
Protein change: p.Arg149Ter; replaces arginine 149 with a stop codon.
Molecular consequence: nonsense. On other transcripts: 5 prime UTR variant (1).
Genome position (GRCh38, 1-based): chr12:55,701,124, G>A on the plus strand (C>T on the coding strand, the complement: ITGA7 is on the minus strand). VCF-style: chr12-55701124-G-A. GRCh37 (hg19) VCF-style: chr12-56094908-G-A.
Other names: c.445C>T, p.Arg149Ter (NM_001144996.2, NM_001374465.1, NM_001410977.1 and 5 more transcripts); c.154C>T, p.Arg52Ter (NM_001144997.2); c.106C>T, p.Arg36Ter (NM_001367993.1, NM_001414035.1); c.-728C>T (NM_001367994.1); short protein forms R36*, R149*, R52*.
Identifiers: ClinVar variation 1454083 (VCV001454083.7), dbSNP rs757680080, ClinGen allele CA6616310.